The following is an entry in ClinVar:

ClinVar aggregate classification (germline): Uncertain significance. Review status: criteria provided, multiple submitters, no conflicts (2 of 4 stars). 2 submissions from 2 submitters: Uncertain significance (2). Last evaluated 2025-01-17.

Conditions:
Inborn genetic diseases. Identifiers: MedGen C0950123, MeSH D030342.

Allele frequency attached by ClinVar (database versions not stated): gnomAD exomes 0.00002 and 0.00004; ExAC 0.00003; ESP Exome Variant Server 0.00008; TOPMed 0.00013; gnomAD 0.00014.
gnomAD v4.1: 54 of 1,613,572 alleles (0.0033%); highest among the groups gnomAD compares: African/African-American, 0.059%; no homozygotes.

Submissions (2):

Ambry Genetics
Classification: Uncertain significance for Inborn genetic diseases. Last evaluated: 2025-01-17. Review status: criteria provided, single submitter. Criteria: Ambry Variant Classification Scheme 2023. Collection method: clinical testing. Allele origin: germline.

Labcorp Genetics (formerly Invitae), Labcorp
Classification: Uncertain significance. Last evaluated: 2022-03-26. Review status: criteria provided, single submitter. Criteria: Invitae Variant Classification Sherloc (09022015). Collection method: clinical testing. Allele origin: germline.
Comment: This sequence change replaces arginine, which is basic and polar, with serine, which is neutral and polar, at codon 720 of the C6 protein (p.Arg720Ser). This variant is present in population databases (rs143400821, gnomAD 0.05%). This variant has not been reported in the literature in individuals affected with C6-related conditions. Algorithms developed to predict the effect of missense changes on protein structure and function output the following: SIFT: "Tolerated"; PolyPhen-2: "Benign"; Align-GVGD: "Class C0". The serine amino acid residue is found in multiple mammalian species, which suggests that this missense change does not adversely affect protein function. In summary, the available evidence is currently insufficient to determine the role of this variant in disease. Therefore, it has been classified as a Variant of Uncertain Significance.

NM_000065.5(C6):c.2160A>T (p.Arg720Ser)

Gene: C6 (complement C6; minus strand). Cytogenetic location: 5p13.1.
Variant type: single nucleotide variant.
Coding change: c.2160A>T on transcript NM_000065.5 (MANE Select); coding-DNA position 2160, A replaced by T.
Protein change: p.Arg720Ser; replaces arginine 720 with serine.
Molecular consequence: missense variant.
Genome position (GRCh38, 1-based): chr5:41,153,940, T>A on the plus strand (A>T on the coding strand, the complement: C6 is on the minus strand). VCF-style: chr5-41153940-T-A. GRCh37 (hg19) VCF-style: chr5-41154042-T-A.
Other names: c.2160A>T, p.Arg720Ser (NM_001115131.4); c.2160A>T (NM_000065.2); short protein forms R720S.
Identifiers: ClinVar variation 1422047 (VCV001422047.6), dbSNP rs143400821, ClinGen allele CA3252190.